The following is an entry in ClinVar:

ClinVar aggregate classification (germline): Uncertain significance (1 of 4 stars; one submission).

Conditions:
Gnathodiaphyseal dysplasia (GDD). Also called: GNATHODIAPHYSEAL SCLEROSIS; OSTEOGENESIS IMPERFECTA WITH UNUSUAL SKELETAL LESIONS. Identifiers: Orphanet 53697, MedGen C1833736, MONDO:0008151, OMIM 166260.
Autosomal recessive limb-girdle muscular dystrophy type 2L (LGMDR12). Also called: Limb-girdle muscular dystrophy, type 2L; MUSCULAR DYSTROPHY, LIMB-GIRDLE, AUTOSOMAL RECESSIVE 12; Limb-Girdle Muscular Dystrophy R12 Anoctamin-5-Related (LGMD-R12). Identifiers: Orphanet 206549, MedGen C1969785, MONDO:0012652, OMIM 611307.

Allele frequency attached by ClinVar (database versions not stated): gnomAD exomes below 0.00001; ExAC 0.00001; gnomAD 0.00001.
gnomAD v4.1: 5 of 1,614,034 alleles (0.00031%); highest among the groups gnomAD compares: South Asian, 0.0011%; no homozygotes.

Submission:

Labcorp Genetics (formerly Invitae), Labcorp
Classification: Uncertain significance for Autosomal recessive limb-girdle muscular dystrophy type 2L; Gnathodiaphyseal dysplasia. Last evaluated: 2025-05-07. Review status: criteria provided, single submitter. Criteria: Invitae Variant Classification Sherloc (09022015). Collection method: clinical testing. Allele origin: germline.
Comment: This sequence change replaces arginine, which is basic and polar, with glutamine, which is neutral and polar, at codon 654 of the ANO5 protein (p.Arg654Gln). This variant is present in population databases (rs775059978, gnomAD 0.003%). This missense change has been observed in individual(s) with limb-girdle muscular dystrophy recessive type 12 (PMID: 36913258). ClinVar contains an entry for this variant (Variation ID: 2089770). Invitae Evidence Modeling of protein sequence and biophysical properties (such as structural, functional, and spatial information, amino acid conservation, physicochemical variation, residue mobility, and thermodynamic stability) has been performed for this missense variant. However, the output from this modeling did not meet the statistical confidence thresholds required to predict the impact of this variant on ANO5 protein function. In summary, the available evidence is currently insufficient to determine the role of this variant in disease. Therefore, it has been classified as a Variant of Uncertain Significance.

Literature cited by the submitters: PubMed 36913258.

NM_213599.3(ANO5):c.1961G>A (p.Arg654Gln)

Gene: ANO5 (anoctamin 5; plus strand). Cytogenetic location: 11p14.3.
Variant type: single nucleotide variant.
Coding change: c.1961G>A on transcript NM_213599.3 (MANE Select); coding-DNA position 1961, G replaced by A.
Protein change: p.Arg654Gln; replaces arginine 654 with glutamine.
Molecular consequence: missense variant.
Genome position (GRCh38, 1-based): chr11:22,270,374, G>A. VCF-style: chr11-22270374-G-A. GRCh37 (hg19) VCF-style: chr11-22291920-G-A.
Other names: c.1958G>A, p.Arg653Gln (NM_001142649.2); c.1919G>A, p.Arg640Gln (NM_001410963.1); c.1916G>A, p.Arg639Gln (NM_001410964.1); short protein forms R639Q, R653Q, R640Q, R654Q.
Identifiers: ClinVar variation 2089770 (VCV002089770.4), dbSNP rs775059978, ClinGen allele CA5923414.
Genomic context (GRCh38, chr11:22,270,374, plus strand): 5'-TGGCTTTGAATTGGTGGAGACGCCGAAAAGCTCGGACAAACTCTGAGAAGCTGTATAGTC[G>A]ATGGGAGCAGGATCATGACCTTGAAAGTTTTGGACCCCTTGGGCTTTTCTATGAGTACTT-3'
Protein context (NP_998764.1, residues 644-664): ARTNSEKLYS[Arg654Gln]WEQDHDLESF